The following is an entry in ClinVar:

ClinVar aggregate classification (germline): Likely pathogenic (1 of 4 stars; one submission).

Conditions:
Hereditary cancer-predisposing syndrome. Also called: Tumor predisposition; Hereditary Cancer Syndrome; Neoplastic Syndromes, Hereditary; Hereditary neoplastic syndrome. Identifiers: Orphanet 140162, MedGen C0027672, MeSH D009386, MONDO:0015356.

Submissions (2):

Molecular Diagnostics Laboratory, Catalan Institute of Oncology
Classification: Likely pathogenic for Hereditary cancer-predisposing syndrome. Last evaluated: 2025-03-20. Review status: criteria provided, single submitter. Criteria: ACMG Guidelines, 2015. Collection method: clinical testing. Allele origin: germline.
Comment: PVS1, PM2_Supporting c.1474-1G>T, located in a canonic splicing site of the BRIP1, is predicted to alter splicing, probably causing the skipping of exon 11 (r.1474_1628del). This alteration is expected to result in loss of function by premature protein truncation and nonsense-mediated mRNA decay (PVS1). It is not present in the population database gnomAD v2.1.1, non cancer dataset (PM2_supporting). To our knowledge, neither relevant clinical data nor well-stablished functional studies have been reported for this variant. Also, the variant has not been reported neither in ClinVar nor in LOVD databases. Based on the currently available information, c.1474-1G>T is classified as a likely pathogenic variant according to ACMG guidelines.

Dr. Peter K. Rogan Lab, Western University
No classification provided (evidence only). Condition: Papillary renal cell carcinoma type 1. Review status: no classification provided. Collection method: in vitro. Allele origin: not applicable. Functional consequence: retained intron. Not counted in ClinVar's aggregate classification.

NM_032043.3(BRIP1):c.1474-1G>T

Gene: BRIP1 (BRCA1 interacting DNA helicase 1; minus strand). Cytogenetic location: 17q23.2.
Variant type: single nucleotide variant.
Coding change: c.1474-1G>T on transcript NM_032043.3 (MANE Select); the canonical splice acceptor site of the intron before coding-DNA position 1474, G replaced by T.
Molecular consequence: splice acceptor variant.
Genome position (GRCh38, 1-based): chr17:61,784,425, C>A on the plus strand (G>T on the coding strand, the complement: BRIP1 is on the minus strand). VCF-style: chr17-61784425-C-A. GRCh37 (hg19) VCF-style: chr17-59861786-C-A.
Other names: NC_000017.10:g.59861786C>A.
Identifiers: ClinVar variation 3774465 (VCV003774465.2).